The following is an entry in ClinVar:

ClinVar aggregate classification (germline): Likely benign (0 of 4 stars; one submission).

Conditions:
FAT4-related disorder. Also called: FAT4-related condition.

Submission:

PreventionGenetics, part of Exact Sciences
Classification: Likely benign for FAT4-related condition. Last evaluated: 2021-11-22. Review status: no assertion criteria provided. Collection method: clinical testing. Allele origin: germline.
Comment: This variant is classified as likely benign based on ACMG/AMP sequence variant interpretation guidelines (Richards et al. 2015 PMID: 25741868, with internal and published modifications).

NM_001291303.3(FAT4):c.10116T>G (p.Ser3372=)

Gene: FAT4 (FAT atypical cadherin 4; plus strand). Cytogenetic location: 4q28.1.
Variant type: single nucleotide variant.
Coding change: c.10116T>G on transcript NM_001291303.3 (MANE Select); coding-DNA position 10116, T replaced by G.
Protein change: p.Ser3372=; no amino-acid change (serine 3372 retained).
Molecular consequence: synonymous variant.
Genome position (GRCh38, 1-based): chr4:125,451,126, T>G. VCF-style: chr4-125451126-T-G. GRCh37 (hg19) VCF-style: chr4-126372281-T-G.
Other names: c.10116T>G, p.Ser3372= (NM_001291285.3); c.10110T>G, p.Ser3370= (NM_024582.6).
Identifiers: ClinVar variation 3029625 (VCV003029625.2), dbSNP rs2530908375, ClinGen allele CA441371763.
Genomic context (GRCh38, chr4:125,451,126, plus strand): 5'-GAAGACTGGACAGATTTATGTTTCTGGAATTCTTGATCGAGAAAAAGAAGAAAGGGTGTC[T>G]TTGAAGGTATTGGCCAAGAACTTTGGCAGCATTAGAGGTGCAGATATAGATGAGGTCACT-3'
Protein context (NP_001278232.1, residues 3362-3382): ILDREKEERV[Ser3372=]LKVLAKNFGS